The following is an entry in ClinVar:

ClinVar aggregate classification (germline): Uncertain significance. Review status: criteria provided, multiple submitters, no conflicts (2 of 4 stars). 5 submissions from 5 submitters: Uncertain significance (5). Last evaluated 2025-10-13.

Conditions:
Atrial fibrillation, familial, 12 (ATFB12). Identifiers: MedGen C3279695, MONDO:0013545, OMIM 614050.
Dilated cardiomyopathy 1O (CMD1O). Also called: CARDIOMYOPATHY, DILATED, WITH VENTRICULAR TACHYCARDIA. Identifiers: Orphanet 154, MedGen C1837839, MONDO:0012062, OMIM 608569.
Intellectual disability and myopathy syndrome (IDMYS). Identifiers: MedGen C5676904, MONDO:0859224, OMIM 619719.
Hypertrichotic osteochondrodysplasia Cantu type. Also called: Cantu Syndrome; Cantú Syndrome. Identifiers: Orphanet 1517, MedGen C0795905, MONDO:0009406, OMIM 239850.
Cardiovascular phenotype. Identifiers: MedGen CN230736.

Allele frequency attached by ClinVar (database versions not stated): gnomAD 0.00001; gnomAD exomes 0.00002; TOPMed 0.00002.
gnomAD v4.1: 34 of 1,613,050 alleles (0.0021%); highest among the groups gnomAD compares: Non-Finnish European, 0.0029%; no homozygotes.

Submissions (5):

Labcorp Genetics (formerly Invitae), Labcorp
Classification: Uncertain significance for Dilated cardiomyopathy 1O. Last evaluated: 2025-10-13. Review status: criteria provided, single submitter. Criteria: Invitae Variant Classification Sherloc (09022015). Collection method: clinical testing. Allele origin: germline.
Comment: This sequence change replaces glutamic acid, which is acidic and polar, with aspartic acid, which is acidic and polar, at codon 955 of the ABCC9 protein (p.Glu955Asp). This variant is not present in population databases (gnomAD no frequency). This variant has not been reported in the literature in individuals affected with ABCC9-related conditions. ClinVar contains an entry for this variant (Variation ID: 533278). An algorithm developed to predict the effect of missense changes on protein structure and function (PolyPhen-2) suggests that this variant is likely to be tolerated. Algorithms developed to predict the effect of sequence changes on RNA splicing suggest that this variant may disrupt the consensus splice site. In summary, the available evidence is currently insufficient to determine the role of this variant in disease. Therefore, it has been classified as a Variant of Uncertain Significance.

Blueprint Genetics
Classification: Uncertain significance. Last evaluated: 2024-09-24. Review status: criteria provided, single submitter. Criteria: ACMG Guidelines, 2015. Collection method: clinical testing. Allele origin: germline.

Ambry Genetics
Classification: Uncertain significance for Cardiovascular phenotype. Last evaluated: 2024-01-18. Review status: criteria provided, single submitter. Criteria: Ambry Variant Classification Scheme 2023. Collection method: clinical testing. Allele origin: germline.
Comment: The p.E955D variant (also known as c.2865A>T), located in coding exon 23 of the ABCC9 gene, results from an A to T substitution at nucleotide position 2865. The glutamic acid at codon 955 is replaced by aspartic acid, an amino acid with highly similar properties. This amino acid position is highly conserved in available vertebrate species. In addition, this alteration is predicted to be tolerated by in silico analysis. Since supporting evidence is limited at this time, the clinical significance of this alteration remains unclear.

GeneDx
Classification: Uncertain significance. Last evaluated: 2022-11-28. Review status: criteria provided, single submitter. Criteria: GeneDx Variant Classification Process June 2021. Collection method: clinical testing. Allele origin: germline. Affected: yes.
Comment: Has not been previously published as pathogenic or benign to our knowledge; Not observed at significant frequency in large population cohorts (gnomAD); At the protein level, in silico analysis supports that this missense variant does not alter protein structure/function; At the mRNA level, in silico analysis is inconclusive as to whether the variant alters gene splicing. In the absence of RNA/functional studies, the actual effect of this sequence change is unknown.

Fulgent Genetics
Classification: Uncertain significance for Hypertrichotic osteochondrodysplasia Cantu type; Dilated cardiomyopathy 1O; Atrial fibrillation, familial, 12; Intellectual disability and myopathy syndrome. Last evaluated: 2021-11-16. Review status: criteria provided, single submitter. Criteria: ACMG Guidelines, 2015. Collection method: clinical testing. Allele origin: unknown.

NM_020297.4(ABCC9):c.2865A>T (p.Glu955Asp)

Gene: ABCC9 (ATP binding cassette subfamily C member 9; minus strand). Cytogenetic location: 12p12.1.
Variant type: single nucleotide variant.
Coding change: c.2865A>T on transcript NM_020297.4 (MANE Select); coding-DNA position 2865, A replaced by T.
Protein change: p.Glu955Asp; replaces glutamic acid 955 with aspartic acid.
Molecular consequence: missense variant.
Genome position (GRCh38, 1-based): chr12:21,848,151, T>A on the plus strand (A>T on the coding strand, the complement: ABCC9 is on the minus strand). VCF-style: chr12-21848151-T-A. GRCh37 (hg19) VCF-style: chr12-22001085-T-A.
Other names: c.2865A>T, p.Glu955Asp (NM_001377273.1, NM_005691.4); c.1998A>T, p.Glu666Asp (NM_001377274.1); c.2865A>T (NM_005691.2); short protein forms E955D, E666D.
Identifiers: ClinVar variation 533278 (VCV000533278.15), dbSNP rs922212635, ClinGen allele CA233596911.